The following is an entry in ClinVar:

NM_023036.6(DNAI2):c.747dup (p.Ser250fs)

Gene: DNAI2 (dynein axonemal intermediate chain 2; plus strand). Cytogenetic location: 17q25.1.
Variant type: Duplication.
Coding change: c.747dup on transcript NM_023036.6 (MANE Select); coding-DNA position 747, one base duplicated (C; older notation c.747dupC).
Protein change: p.Ser250fs; shifts the reading frame from serine 250.
Molecular consequence: frameshift variant. On other transcripts: non-coding transcript variant (1).
Genome position (GRCh38, 1-based): chr17:74,299,740, C duplicated. VCF-style (leftmost placement, unchanged base first): chr17-74299739-G-GC. GRCh37 (hg19) VCF-style: chr17-72295878-G-GC.
Other names: c.747dup, p.Ser250fs (NM_001172810.3, NM_001353167.2); short protein forms S250fs.
Identifiers: ClinVar variation 5012218 (VCV005012218.1).
Genomic context (GRCh38, chr17:74,299,739, plus strand): 5'-TGCCCCCTTCCACTCCTTCTTCATCTCCTTCCTCACCAGCCTGCTGGGACACCCGAAAGG[G>GC]CAGCCTGGTGGCGGAGCTATCCACCATTGAGTCCAGCCACCGAGACCCTGTGTATGGCAC-3'

ClinVar aggregate classification (germline): Pathogenic (1 of 4 stars; one submission).

Conditions:
Primary ciliary dyskinesia 9. Also called: CILIARY DYSKINESIA, PRIMARY, 9, WITH OR WITHOUT SITUS INVERSUS. Identifiers: Orphanet 244, MedGen C2676235, MONDO:0012906, OMIM 612444.

Submission:

Myriad Genetics, Inc.
Classification: Pathogenic for Primary ciliary dyskinesia 9. Last evaluated: 2023-09-27. Review status: criteria provided, single submitter. Criteria: Myriad Autosomal Dominant, Autosomal Recessive and X-Linked Classification Criteria (2023). Collection method: clinical testing. Allele origin: unknown.
Comment: NM_023036.4(DNAI2):c.747dupC(S250Qfs*10) is expected to be pathogenic in the context of primary ciliary dyskinesia, DNAI2-related. This variant is predicted to lead to an abnormal or absent protein product due to the creation of a premature termination codon in DNAI2, a gene where loss-of-function variants are known to be pathogenic. Please note: this variant was assessed in the context of healthy population screening.